The following is an entry in ClinVar:

NM_002332.3(LRP1):c.958C>T (p.Leu320=)

Gene: LRP1 (LDL receptor related protein 1; plus strand). Cytogenetic location: 12q13.3.
Variant type: single nucleotide variant.
Coding change: c.958C>T on transcript NM_002332.3 (MANE Select); coding-DNA position 958, C replaced by T.
Protein change: p.Leu320=; no amino-acid change (leucine 320 retained).
Molecular consequence: synonymous variant.
Genome position (GRCh38, 1-based): chr12:57,154,324, C>T. VCF-style: chr12-57154324-C-T. GRCh37 (hg19) VCF-style: chr12-57548107-C-T.
Identifiers: ClinVar variation 755901 (VCV000755901.6), dbSNP rs139469031, ClinGen allele CA6642421.
Genomic context (GRCh38, chr12:57,154,324, plus strand): 5'-ATCGATGATAGGATCTTTGTCTGCAACAGAAATGGGGACACATGTGTCACATTGCTAGAC[C>T]TGGAACTCTACAACCCCAAGGGCATTGCCCTGGACCCTGCCATGGGGTGAGAGTGGCAGG-3'
Protein context (NP_002323.2, residues 310-330): NGDTCVTLLD[Leu320=]ELYNPKGIAL

ClinVar aggregate classification (germline): Likely benign. Review status: criteria provided, single submitter (1 of 4 stars). 2 submissions from 2 submitters: Likely benign (1). 1 of the submissions does not count toward it. Last evaluated 2019-12-31.

Conditions:
LRP1-related disorder. Also called: LRP1-related condition.

Allele frequency attached by ClinVar (database versions not stated): ExAC 0.00021; gnomAD 0.00021; gnomAD exomes 0.00021; ESP Exome Variant Server 0.00031; TOPMed 0.00035; 1000 Genomes Project 30x 0.00094; 1000 Genomes Project 0.00100.
gnomAD v4.1: 524 of 1,614,116 alleles (0.032%); highest among the groups gnomAD compares: Admixed American, 0.047%; no homozygotes.

Submissions (2):

Labcorp Genetics (formerly Invitae), Labcorp
Classification: Likely benign. Last evaluated: 2019-12-31. Review status: criteria provided, single submitter. Criteria: Invitae Variant Classification Sherloc (09022015). Collection method: clinical testing. Allele origin: germline.

PreventionGenetics, part of Exact Sciences
Classification: Likely benign for LRP1-related condition. Last evaluated: 2019-10-28. Review status: no assertion criteria provided. Collection method: clinical testing. Allele origin: germline. Not counted in ClinVar's aggregate classification.
Comment: This variant is classified as likely benign based on ACMG/AMP sequence variant interpretation guidelines (Richards et al. 2015 PMID: 25741868, with internal and published modifications).